The following is an entry in ClinVar:

ClinVar aggregate classification (germline): Pathogenic. Review status: criteria provided, multiple submitters, no conflicts (2 of 4 stars). 2 submissions from 2 submitters: Pathogenic (2). Last evaluated 2023-06-01.

Submissions (2):

CeGaT Center for Human Genetics Tuebingen
Classification: Pathogenic. Last evaluated: 2023-06-01. Review status: criteria provided, single submitter. Criteria: CeGaT Center For Human Genetics Tuebingen Variant Classification Criteria Version 2. Collection method: clinical testing. Allele origin: germline. Affected: yes. Observed: 1 variant allele.
Comment: PRPF31: PVS1, PM2

Labcorp Genetics (formerly Invitae), Labcorp
Classification: Pathogenic. Last evaluated: 2022-03-09. Review status: criteria provided, single submitter. Criteria: Invitae Variant Classification Sherloc (09022015). Collection method: clinical testing. Allele origin: germline.
Comment: This sequence change affects an acceptor splice site in intron 6 of the PRPF31 gene. It is expected to disrupt RNA splicing. Variants that disrupt the donor or acceptor splice site typically lead to a loss of protein function (PMID: 16199547), and loss-of-function variants in PRPF31 are known to be pathogenic (PMID: 18317597, 23950152). This variant is not present in population databases (gnomAD no frequency). Disruption of this splice site has been observed in individuals with retinitis pigmentosa (PMID: 17325180, 29099798). Algorithms developed to predict the effect of sequence changes on RNA splicing suggest that this variant may disrupt the consensus splice site. For these reasons, this variant has been classified as Pathogenic.

Literature cited by the submitters: PubMed 16199547 (cited by Labcorp Genetics (formerly Invitae), Labcorp); PubMed 18317597 (cited by Labcorp Genetics (formerly Invitae), Labcorp); PubMed 23950152 (cited by Labcorp Genetics (formerly Invitae), Labcorp); PubMed 17325180 (cited by Labcorp Genetics (formerly Invitae), Labcorp); PubMed 29099798 (cited by Labcorp Genetics (formerly Invitae), Labcorp).

NM_015629.4(PRPF31):c.528-1G>A

Gene: PRPF31 (pre-mRNA processing factor 31; plus strand). Cytogenetic location: 19q13.42.
Variant type: single nucleotide variant.
Coding change: c.528-1G>A on transcript NM_015629.4 (MANE Select); the canonical splice acceptor site of the intron before coding-DNA position 528, G replaced by A.
Molecular consequence: splice acceptor variant.
Genome position (GRCh38, 1-based): chr19:54,123,748, G>A. VCF-style: chr19-54123748-G-A. GRCh37 (hg19) VCF-style: chr19-54627127-G-A.
Identifiers: ClinVar variation 1405853 (VCV001405853.33), dbSNP rs2146420442, ClinGen allele CA407750431.